The following is an entry in ClinVar:

ClinVar aggregate classification (germline): Conflicting classifications of pathogenicity. Review status: criteria provided, conflicting classifications (1 of 4 stars). 2 submissions from 2 submitters: Uncertain significance (1); Likely benign (1). Last evaluated 2025-03-26.

Conditions:
Cardiovascular phenotype. Identifiers: MedGen CN230736.

Allele frequency attached by ClinVar (database versions not stated): TOPMed below 0.00001; gnomAD 0.00001.

Submissions (2):

Labcorp Genetics (formerly Invitae), Labcorp
Classification: Likely benign. Last evaluated: 2025-03-26. Review status: criteria provided, single submitter. Criteria: Invitae Variant Classification Sherloc (09022015). Collection method: clinical testing. Allele origin: germline.

Ambry Genetics
Classification: Uncertain significance for Cardiovascular phenotype. Last evaluated: 2022-05-11. Review status: criteria provided, single submitter. Criteria: Ambry Variant Classification Scheme 2023. Collection method: clinical testing. Allele origin: germline.
Comment: The c.492C>T variant (also known as p.G164G), located in coding exon 1 of the ALPK3 gene, results from a C to T substitution at nucleotide position 492. This nucleotide substitution does not change the glycine at codon 164. This nucleotide position is not well conserved in available vertebrate species. In silico splice site analysis predicts that this alteration will result in the creation or strengthening of a novel splice donor site. Since supporting evidence is limited at this time, the clinical significance of this alteration remains unclear.

NC_000015.10:g.84817338C>T

Gene: ALPK3 (alpha kinase 3; plus strand). Cytogenetic location: 15q25.3.
Variant type: single nucleotide variant.
Genome position: GRCh38 VCF-style: chr15-84817338-C-T. GRCh37 (hg19) VCF-style: chr15-85360569-C-T.
Identifiers: ClinVar variation 1402470 (VCV001402470.45), dbSNP rs1963370785, ClinGen allele CA492277102.